The following is an entry in ClinVar:

ClinVar aggregate classification (germline): Uncertain significance. Review status: criteria provided, single submitter (1 of 4 stars). 2 submissions from 2 submitters: Uncertain significance (1). 1 of the submissions does not count toward it. Last evaluated 2024-01-15.

Conditions:
GNPTG-mucolipidosis. Also called: MUCOLIPIDOSIS III, COMPLEMENTATION GROUP C; MUCOLIPIDOSIS III, IRANIAN VARIANT FORM; MUCOLIPIDOSIS III, VARIANT FORM; Mucolipidosis type III gamma; ML III GAMMA; ML IIIC. Identifiers: Orphanet 423470, Orphanet 577, MedGen C1854896, MONDO:0009652, OMIM 252605.

Allele frequency attached by ClinVar (database versions not stated): TOPMed below 0.00001; ExAC 0.00001; gnomAD exomes 0.00002; ESP Exome Variant Server 0.00008.

Submissions (2):

Labcorp Genetics (formerly Invitae), Labcorp
Classification: Uncertain significance. Last evaluated: 2024-01-15. Review status: criteria provided, single submitter. Criteria: Invitae Variant Classification Sherloc (09022015). Collection method: clinical testing. Allele origin: germline.
Comment: This sequence change replaces arginine, which is basic and polar, with glutamine, which is neutral and polar, at codon 147 of the GNPTG protein (p.Arg147Gln). This variant is present in population databases (rs374890181, gnomAD 0.007%). This variant has not been reported in the literature in individuals affected with GNPTG-related conditions. ClinVar contains an entry for this variant (Variation ID: 856492). Advanced modeling of protein sequence and biophysical properties (such as structural, functional, and spatial information, amino acid conservation, physicochemical variation, residue mobility, and thermodynamic stability) performed at Invitae indicates that this missense variant is not expected to disrupt GNPTG protein function with a negative predictive value of 80%. In summary, the available evidence is currently insufficient to determine the role of this variant in disease. Therefore, it has been classified as a Variant of Uncertain Significance.

Natera, Inc.
Classification: Uncertain significance for Mucolipidosis III gamma. Last evaluated: 2020-03-10. Review status: no assertion criteria provided. Collection method: clinical testing. Allele origin: germline. Not counted in ClinVar's aggregate classification.

NM_032520.5(GNPTG):c.440G>A (p.Arg147Gln)

Gene: GNPTG (N-acetylglucosamine-1-phosphate transferase subunit gamma; plus strand). Cytogenetic location: 16p13.3.
Variant type: single nucleotide variant.
Coding change: c.440G>A on transcript NM_032520.5 (MANE Select); coding-DNA position 440, G replaced by A.
Protein change: p.Arg147Gln; replaces arginine 147 with glutamine.
Molecular consequence: missense variant.
Genome position (GRCh38, 1-based): chr16:1,362,234, G>A. VCF-style: chr16-1362234-G-A. GRCh37 (hg19) VCF-style: chr16-1412235-G-A.
Other names: short protein forms R147Q.
Identifiers: ClinVar variation 856492 (VCV000856492.6), dbSNP rs374890181, ClinGen allele CA7807704.